The following is an entry in ClinVar:

ClinVar aggregate classification (germline): Pathogenic (1 of 4 stars; one submission).

Submission:

Labcorp Genetics (formerly Invitae), Labcorp
Classification: Pathogenic. Last evaluated: 2023-09-17. Review status: criteria provided, single submitter. Criteria: Invitae Variant Classification Sherloc (09022015). Collection method: clinical testing. Allele origin: germline.
Comment: This variant is a gross deletion of the genomic region encompassing exon(s) 8 of the ADAMTS17 gene. This deletion is out-of-frame, and is expected to create a premature termination codon and result in an absent or disrupted protein product. Loss-of-function variants in ADAMTS17 are known to be pathogenic (PMID: 19836009, 24940034). This variant has not been reported in the literature in individuals affected with ADAMTS17-related conditions. For these reasons, this variant has been classified as Pathogenic.

Literature cited by the submitters: PubMed 19836009; PubMed 24940034.

NC_000015.9:g.(?_100739503)_(100739648_?)del

Gene: ADAMTS17 (ADAM metallopeptidase with thrombospondin type 1 motif 17; minus strand). Cytogenetic location: 15q26.3.
Variant type: Deletion.
Identifiers: ClinVar variation 2427275 (VCV002427275.4).